The following is an entry in ClinVar:

ClinVar aggregate classification (germline): Uncertain significance (1 of 4 stars; one submission).

Conditions:
GLUT1 deficiency syndrome 1, autosomal recessive. Identifiers: MedGen C3149117.

Submission:

Labcorp Genetics (formerly Invitae), Labcorp
Classification: Uncertain significance for GLUT1 deficiency syndrome 1, autosomal recessive. Last evaluated: 2019-07-08. Review status: criteria provided, single submitter. Criteria: Invitae Variant Classification Sherloc (09022015). Collection method: clinical testing. Allele origin: germline.
Comment: This variant results in a copy number gain of the genomic region encompassing exon 1 of the SLC2A1 gene, which includes the initiator codon. The 5' end of this event is unknown as it extends beyond the assayed region for this gene and therefore may encompass additional genes. The 3' boundary is likely confined to intron 1 of the SLC2A1 gene. As the precise location of this event is unknown, it may be in tandem or it may be located elsewhere in the genome. This variant has not been reported in the literature in individuals with SLC2A1-related conditions. In summary, the available evidence is currently insufficient to determine the role of this variant in disease. Therefore, it has been classified as a Variant of Uncertain Significance.

NC_000001.11:g.(?_42958614)_(42958671_?)dup

Gene: SLC2A1 (solute carrier family 2 member 1; minus strand). Cytogenetic location: 1p34.2.
Variant type: Duplication.
Identifiers: ClinVar variation 830771 (VCV000830771.2).